The following is an entry in ClinVar:

ClinVar aggregate classification (germline): Benign/Likely benign. Review status: criteria provided, multiple submitters, no conflicts (2 of 4 stars). 4 submissions from 2 submitters: Benign (2); Likely benign (2). Last evaluated 2018-01-13.

Conditions:
Leber congenital amaurosis 7 (LCA7). Identifiers: Orphanet 65, MedGen C3151192, MONDO:0013449, OMIM 613829.
Retinitis pigmentosa (RP). Identifiers: Orphanet 791, MedGen C0035334, MeSH D012174, MONDO:0019200, OMIM 268000. Inheritance: Autosomal dominant, autosomal recessive and X linked inheritance.
Cone-rod dystrophy 2 (CORD2). Also called: CONE-ROD RETINAL DYSTROPHY; Cone-rod retinal dystrophy 2. Identifiers: Orphanet 1872, MedGen C3489532, MONDO:0007362, OMIM 120970.

Allele frequency attached by ClinVar (database versions not stated): TOPMed 0.01207; 1000 Genomes Project 30x 0.01499; 1000 Genomes Project 0.01677.

Submissions (4):

Illumina Laboratory Services, Illumina
Classification: Likely benign for Leber congenital amaurosis 7. Last evaluated: 2018-01-13. Review status: criteria provided, single submitter. Criteria: ICSL Variant Classification Criteria 13 December 2019. Collection method: clinical testing. Allele origin: germline.
Comment: This variant was observed in the ICSL laboratory as part of a predisposition screen in an ostensibly healthy population. It had not been previously curated by ICSL or reported in the Human Gene Mutation Database (HGMD: prior to June 1st, 2018), and was therefore a candidate for classification through an automated scoring system. Utilizing variant allele frequency, disease prevalence and penetrance estimates, and inheritance mode, an automated score was calculated to assess if this variant is too frequent to cause the disease. Based on the score and internal cut-off values, a variant classified as likely benign is not then subjected to further curation. The score for this variant resulted in a classification of likely benign for this disease.

Illumina Laboratory Services, Illumina
Classification: Benign for Cone-rod dystrophy 2. Last evaluated: 2018-01-13. Review status: criteria provided, single submitter. Criteria: ICSL Variant Classification Criteria 13 December 2019. Collection method: clinical testing. Allele origin: germline.
Comment: This variant was observed in the ICSL laboratory as part of a predisposition screen in an ostensibly healthy population. It had not been previously curated by ICSL or reported in the Human Gene Mutation Database (HGMD: prior to June 1st, 2018), and was therefore a candidate for classification through an automated scoring system. Utilizing variant allele frequency, disease prevalence and penetrance estimates, and inheritance mode, an automated score was calculated to assess if this variant is too frequent to cause the disease. Based on the score and internal cut-off values, a variant classified as benign is not then subjected to further curation. The score for this variant resulted in a classification of benign for this disease.

Illumina Laboratory Services, Illumina
Classification: Benign for Retinitis pigmentosa. Last evaluated: 2018-01-13. Review status: criteria provided, single submitter. Criteria: ICSL Variant Classification Criteria 13 December 2019. Collection method: clinical testing. Allele origin: germline.
Comment: the same text as in the submission from Illumina Laboratory Services, Illumina above.

Breakthrough Genomics
Classification: Likely benign. Review status: criteria provided, single submitter. Criteria: ACMG Guidelines, 2015. Collection method: not provided. Allele origin: germline. Inheritance: Autosomal dominant inheritance. Affected: yes.

NM_000554.6(CRX):c.*2758C>A

Gene: CRX (cone-rod homeobox; plus strand). Cytogenetic location: 19q13.33.
Variant type: single nucleotide variant.
Coding change: c.*2758C>A on transcript NM_000554.6 (MANE Select); 2758 bases downstream of the stop codon, C replaced by A.
Molecular consequence: 3 prime UTR variant.
Genome position (GRCh38, 1-based): chr19:47,842,725, C>A. VCF-style: chr19-47842725-C-A. GRCh37 (hg19) VCF-style: chr19-48345982-C-A.
Identifiers: ClinVar variation 329771 (VCV000329771.6), dbSNP rs117717088, ClinGen allele CA10652661.